The following is an entry in ClinVar:

NM_006231.4(POLE):c.2514_2515del (p.Ala840fs)

Gene: POLE (DNA polymerase epsilon, catalytic subunit; minus strand). Cytogenetic location: 12q24.33.
Variant type: Deletion.
Coding change: c.2514_2515del on transcript NM_006231.4 (MANE Select); coding-DNA positions 2514 to 2515, 2 bases deleted (AG; older notation c.2514_2515delAG).
Protein change: p.Ala840fs; shifts the reading frame from alanine 840.
Molecular consequence: frameshift variant.
Genome position (GRCh38, 1-based): chr12:132,664,416-132,664,417, CT deleted on the plus strand (AG on the coding strand, the reverse complement: POLE is on the minus strand). VCF-style (leftmost placement, unchanged base first): chr12-132664415-CCT-C. GRCh37 (hg19) VCF-style: chr12-133241001-CCT-C.
Other names: short protein forms A840fs.
Identifiers: ClinVar variation 3652614 (VCV003652614.2).

ClinVar aggregate classification (germline): Pathogenic (1 of 4 stars; one submission).

Submission:

Labcorp Genetics (formerly Invitae), Labcorp
Classification: Pathogenic. Last evaluated: 2025-02-17. Review status: criteria provided, single submitter. Criteria: Invitae Variant Classification Sherloc (09022015). Collection method: clinical testing. Allele origin: germline.
Comment: This sequence change creates a premature translational stop signal (p.Ala840Glnfs*68) in the POLE gene. It is expected to result in an absent or disrupted protein product. Loss-of-function variants in POLE are known to be pathogenic (PMID: 23230001, 25948378, 30503519). This variant is not present in population databases (gnomAD no frequency). This variant has not been reported in the literature in individuals affected with POLE-related conditions. For these reasons, this variant has been classified as Pathogenic.

Literature cited by the submitters: PubMed 23230001; PubMed 25948378; PubMed 30503519.